The following is an entry in ClinVar:

NM_001077350.3(NPRL3):c.691_717del (p.Leu231_Ala239del)

Genes: HBA-LCR (alpha-globin locus control region; plus strand), NPRL3 (NPR3 like, GATOR1 complex subunit; minus strand). Cytogenetic location: 16p13.3.
Variant type: Deletion.
Coding change: c.691_717del on transcript NM_001077350.3 (MANE Select); coding-DNA positions 691 to 717, 27 bases deleted (CTGCCCCACAAGATCCACTATGCGGCC).
Protein change: p.Leu231_Ala239del.
Molecular consequence: inframe deletion.
Genome position (GRCh38, 1-based): chr16:100,422-100,448, GGCCGCATAGTGGATCTTGTGGGGCAG deleted on the plus strand (CTGCCCCACAAGATCCACTATGCGGCC on the coding strand, the reverse complement: NPRL3 is on the minus strand); deleting any 27 consecutive bases within chr16:100,422-100,449 gives the same sequence; the c. name uses the placement nearest the transcript's 3' end. VCF-style (leftmost placement, unchanged base first): chr16-100421-AGGCCGCATAGTGGATCTTGTGGGGCAG-A. GRCh37 (hg19) VCF-style: chr16-150419-AGGCCGCATAGTGGATCTTGTGGGGCAG-A.
Other names: c.154_180del, p.Leu52_Ala60del (NM_001039476.3); c.457_483del, p.Leu153_Ala161del (NM_001243247.2); c.616_642del, p.Leu206_Ala214del (NM_001243248.2, NM_001243249.2).
Identifiers: ClinVar variation 1052456 (VCV001052456.7), dbSNP rs1300716374, ClinGen allele CA717829797.

ClinVar aggregate classification (germline): Uncertain significance (1 of 4 stars; one submission).

Conditions:
Epilepsy, familial focal, with variable foci 3 (FFEVF3). Identifiers: MedGen C4310708, MONDO:0014925, OMIM 617118.

Submission:

Labcorp Genetics (formerly Invitae), Labcorp
Classification: Uncertain significance for Epilepsy, familial focal, with variable foci 3. Last evaluated: 2024-12-12. Review status: criteria provided, single submitter. Criteria: Invitae Variant Classification Sherloc (09022015). Collection method: clinical testing. Allele origin: germline.
Comment: This variant, c.691_717del, results in the deletion of 9 amino acid(s) of the NPRL3 protein (p.Leu231_Ala239del), but otherwise preserves the integrity of the reading frame. This variant is not present in population databases (gnomAD no frequency). This variant has not been reported in the literature in individuals affected with NPRL3-related conditions. ClinVar contains an entry for this variant (Variation ID: 1052456). Experimental studies and prediction algorithms are not available or were not evaluated, and the functional significance of this variant is currently unknown. In summary, the available evidence is currently insufficient to determine the role of this variant in disease. Therefore, it has been classified as a Variant of Uncertain Significance.